The following is an entry in ClinVar:

ClinVar aggregate classification (germline): Uncertain significance. Review status: criteria provided, multiple submitters, no conflicts (2 of 4 stars). 2 submissions from 2 submitters: Uncertain significance (2). Last evaluated 2022-07-25.

Conditions:
ALG9 congenital disorder of glycosylation (CDG1L). Also called: CDG Il; CONGENITAL DISORDER OF GLYCOSYLATION, TYPE Il; ALG9-CDG. Identifiers: Orphanet 79328, MedGen C2931006, MONDO:0012117, OMIM 608776.

Allele frequency attached by ClinVar (database versions not stated): TOPMed below 0.00001; gnomAD 0.00001.
gnomAD v4.1: 1 of 1,613,374 alleles (0.000062%); highest among the groups gnomAD compares: Non-Finnish European, 0.000085%; no homozygotes.

Submissions (2):

Labcorp Genetics (formerly Invitae), Labcorp
Classification: Uncertain significance for ALG9 congenital disorder of glycosylation. Last evaluated: 2022-07-25. Review status: criteria provided, single submitter. Criteria: Invitae Variant Classification Sherloc (09022015). Collection method: clinical testing. Allele origin: germline.
Comment: This sequence change replaces leucine, which is neutral and non-polar, with arginine, which is basic and polar, at codon 273 of the ATP6V0A2 protein (p.Leu273Arg). This variant is not present in population databases (gnomAD no frequency). This variant has not been reported in the literature in individuals affected with ATP6V0A2-related conditions. ClinVar contains an entry for this variant (Variation ID: 1327641). Algorithms developed to predict the effect of missense changes on protein structure and function (SIFT, PolyPhen-2, Align-GVGD) all suggest that this variant is likely to be disruptive. In summary, the available evidence is currently insufficient to determine the role of this variant in disease. Therefore, it has been classified as a Variant of Uncertain Significance.

GeneDx
Classification: Uncertain significance. Last evaluated: 2021-06-10. Review status: criteria provided, single submitter. Criteria: GeneDx Variant Classification Process June 2021. Collection method: clinical testing. Allele origin: germline. Affected: yes.
Comment: Not observed at significant frequency in large population cohorts (Lek et al., 2016); In silico analysis supports that this missense variant has a deleterious effect on protein structure/function; Has not been previously published as pathogenic or benign to our knowledge; This variant is associated with the following publications: (PMID: 27535533)

NM_012463.4(ATP6V0A2):c.818T>G (p.Leu273Arg)

Gene: ATP6V0A2 (ATPase H+ transporting V0 subunit a2; plus strand). Cytogenetic location: 12q24.31.
Variant type: single nucleotide variant.
Coding change: c.818T>G on transcript NM_012463.4 (MANE Select); coding-DNA position 818, T replaced by G.
Protein change: p.Leu273Arg; replaces leucine 273 with arginine.
Molecular consequence: missense variant.
Genome position (GRCh38, 1-based): chr12:123,735,617, T>G. VCF-style: chr12-123735617-T-G. GRCh37 (hg19) VCF-style: chr12-124220164-T-G.
Other names: short protein forms L273R.
Identifiers: ClinVar variation 1327641 (VCV001327641.3), dbSNP rs946611542, ClinGen allele CA245194757.
Genomic context (GRCh38, chr12:123,735,617, plus strand): 5'-CAAACACAGCCGAGGAGCGGAGGGAGATCCAGGAGGGGCTGAACACCCGCATCCAGGATC[T>G]CTACACTGTGAGTAAGCTGGAAGTGGATTGCCTCTTTATCTGAGGGCTGCCAAACATTTA-3'
Protein context (NP_036595.2, residues 263-283): QEGLNTRIQD[Leu273Arg]YTVLHKTEDY